The following is an entry in ClinVar:

ClinVar aggregate classification (germline): Likely benign (0 of 4 stars; one submission).

Conditions:
CELSR2-related disorder. Also called: CELSR2-related condition.

Allele frequency attached by ClinVar (database versions not stated): TOPMed below 0.00001; ExAC 0.00001; gnomAD 0.00001.
gnomAD v4.1: 6 of 1,612,816 alleles (0.00037%); highest among the groups gnomAD compares: Non-Finnish European, 0.00051%; no homozygotes.

Submission:

PreventionGenetics, part of Exact Sciences
Classification: Likely benign for CELSR2-related condition. Last evaluated: 2019-05-16. Review status: no assertion criteria provided. Collection method: clinical testing. Allele origin: germline.
Comment: This variant is classified as likely benign based on ACMG/AMP sequence variant interpretation guidelines (Richards et al. 2015 PMID: 25741868, with internal and published modifications).

NM_001408.3(CELSR2):c.6750C>A (p.Ile2250=)

Gene: CELSR2 (cadherin EGF LAG seven-pass G-type receptor 2; plus strand). Cytogenetic location: 1p13.3.
Variant type: single nucleotide variant.
Coding change: c.6750C>A on transcript NM_001408.3 (MANE Select); coding-DNA position 6750, C replaced by A.
Protein change: p.Ile2250=; no amino-acid change (isoleucine 2250 retained).
Molecular consequence: synonymous variant.
Genome position (GRCh38, 1-based): chr1:109,269,228, C>A. VCF-style: chr1-109269228-C-A. GRCh37 (hg19) VCF-style: chr1-109811850-C-A.
Identifiers: ClinVar variation 3041783 (VCV003041783.2), dbSNP rs745890195, ClinGen allele CA987985.